The following is an entry in ClinVar:

ClinVar aggregate classification (germline): Uncertain significance (1 of 4 stars; one submission).

Submission:

GeneDx
Classification: Uncertain significance. Last evaluated: 2025-04-09. Review status: criteria provided, single submitter. Criteria: GeneDx Variant Classification Process June 2021. Collection method: clinical testing. Allele origin: germline. Affected: yes.
Comment: Not observed at significant frequency in large population cohorts (gnomAD); In silico analysis supports that this missense variant has a deleterious effect on protein structure/function; Has not been previously published as pathogenic or benign to our knowledge

NM_020738.4(KIDINS220):c.41A>G (p.Glu14Gly)

Gene: KIDINS220 (kinase D interacting substrate 220; minus strand). Cytogenetic location: 2p25.1.
Variant type: single nucleotide variant.
Coding change: c.41A>G on transcript NM_020738.4 (MANE Select); coding-DNA position 41, A replaced by G.
Protein change: p.Glu14Gly; replaces glutamic acid 14 with glycine.
Molecular consequence: missense variant. On other transcripts: 5 prime UTR variant (1), non-coding transcript variant (2).
Genome position (GRCh38, 1-based): chr2:8,827,053, T>C on the plus strand (A>G on the coding strand, the complement: KIDINS220 is on the minus strand). VCF-style: chr2-8827053-T-C. GRCh37 (hg19) VCF-style: chr2-8967183-T-C.
Other names: c.41A>G, p.Glu14Gly (NM_001348729.2, NM_001348731.2, NM_001348732.2 and 9 more transcripts); c.-257A>G (NM_001348736.2); short protein forms E14G.
Identifiers: ClinVar variation 4282401 (VCV004282401.1).
Genomic context (GRCh38, chr2:8,827,053, plus strand): 5'-CTCTCATCTACATCTTTGCATTTTTCAAGAAGAGCTTTCAGAGCAGGAATGTTTTCTTCC[T>C]CTACATAATTTATGACGCTCTGTGATATCAAAACTGACATTTTCACAGAAAGCTGCAATT-3'
Protein context (NP_065789.1, residues 4-24): LISQSVINYV[Glu14Gly]EENIPALKAL